The following is an entry in ClinVar:

NM_000090.4(COL3A1):c.2519G>T (p.Gly840Val)

Gene: COL3A1 (collagen type III alpha 1 chain; plus strand). Cytogenetic location: 2q32.2.
Variant type: single nucleotide variant.
Coding change: c.2519G>T on transcript NM_000090.4 (MANE Select); coding-DNA position 2519, G replaced by T.
Protein change: p.Gly840Val; replaces glycine 840 with valine.
Molecular consequence: missense variant.
Genome position (GRCh38, 1-based): chr2:189,003,028, G>T. VCF-style: chr2-189003028-G-T. GRCh37 (hg19) VCF-style: chr2-189867754-G-T.
Other names: short protein forms G840V.
Identifiers: ClinVar variation 263689 (VCV000263689.4), dbSNP rs886038895, ClinGen allele CA10587538.

ClinVar aggregate classification (germline): Conflicting classifications of pathogenicity. Review status: criteria provided, conflicting classifications (1 of 4 stars). 2 submissions from 2 submitters: Likely pathogenic (1); Uncertain significance (1). Last evaluated 2025-07-17.

Conditions:
Cardiovascular phenotype. Identifiers: MedGen CN230736.
Ehlers-Danlos syndrome, type 4 (EDSVASC). Also called: Ehlers-Danlos syndrome vascular type; Ehlers Danlos syndrome, ecchymotic type; Ehlers Danlos syndrome, arterial type; Ehlers Danlos syndrome, Sack-Barabas type; Ehlers-Danlos Syndrome Type IV. Identifiers: Orphanet 286, MedGen C0268338, MONDO:0017314, OMIM 130050.

Submissions (2):

Institute of Human Genetics, Heidelberg University
Classification: Likely pathogenic for Ehlers-Danlos syndrome, type 4. Last evaluated: 2025-07-17. Review status: criteria provided, single submitter. Criteria: ACMG Guidelines, 2015. Collection method: clinical testing. Allele origin: germline. Affected: yes. Observed: 1 variant allele.
Comment: PP3_s, PM2_sup, PM5, PM1

Ambry Genetics
Classification: Uncertain significance for Cardiovascular phenotype. Last evaluated: 2013-07-12. Review status: criteria provided, single submitter. Criteria: Ambry Autosomal Dominant and X-Linked criteria (10/2015). Collection method: clinical testing. Allele origin: germline. Observed: 1 variant allele.
Comment: Ã¢â‚¬â€¹The p.G840V variant (also known as c.2519G>T) is located in coding exon 36 of the COL3A1 gene. This alteration results from a G to T substitution at nucleotide position 2519. The glycine at codon 840 is replaced by valine, an amino acid with dissimilar properties. The majority (approximately two-thirds) of COL3A1 mutations identified to date have involved the substitution of another amino acid for glycine within the triple-helical domain (Schwarze U et al. Am J Hum Genet. 1997;61(6):1276-1286). This variant was not reported in population-based cohorts in the following databases: Database of Single Nucleotide Polymorphisms (dbSNP), NHLBI Exome Sequencing Project (ESP) and 1000 Genomes Project. Based on protein sequence alignment, this amino acid position is highly conserved in all available vertebrate species. In addition, this alteration is predicted to be deleterious by in silico analysis. Since supporting evidence is limited at this time, the clinical significance of this variant remains unclear.